The following is an entry in ClinVar:

ClinVar aggregate classification (germline): Uncertain significance (1 of 4 stars; one submission).

Submission:

Mayo Clinic Laboratories, Mayo Clinic
Classification: Uncertain significance. Last evaluated: 2025-03-11. Review status: criteria provided, single submitter. Criteria: ACMG Guidelines, 2015. Collection method: clinical testing. Allele origin: germline. Observed: 1 variant allele.
Comment: PP3, PM2_supporting

Literature cited by the submitters: PubMed 32544384.

NM_000271.5(NPC1):c.3656A>G (p.Gln1219Arg)

Gene: NPC1 (NPC intracellular cholesterol transporter 1; minus strand). Cytogenetic location: 18q11.2.
Variant type: single nucleotide variant.
Coding change: c.3656A>G on transcript NM_000271.5 (MANE Select); coding-DNA position 3656, A replaced by G.
Protein change: p.Gln1219Arg; replaces glutamine 1219 with arginine.
Molecular consequence: missense variant.
Genome position (GRCh38, 1-based): chr18:23,533,453, T>C on the plus strand (A>G on the coding strand, the complement: NPC1 is on the minus strand). VCF-style: chr18-23533453-T-C. GRCh37 (hg19) VCF-style: chr18-21113417-T-C.
Other names: p.Gln1219Arg; short protein forms Q1219R.
Identifiers: ClinVar variation 4542251 (VCV004542251.1).